The following is an entry in ClinVar:

NM_024642.5(GALNT12):c.996G>A (p.Met332Ile)

Gene: GALNT12 (polypeptide N-acetylgalactosaminyltransferase 12; plus strand). Cytogenetic location: 9q22.33.
Variant type: single nucleotide variant.
Coding change: c.996G>A on transcript NM_024642.5 (MANE Select); coding-DNA position 996, G replaced by A.
Protein change: p.Met332Ile; replaces methionine 332 with isoleucine.
Molecular consequence: missense variant.
Genome position (GRCh38, 1-based): chr9:98,835,327, G>A. VCF-style: chr9-98835327-G-A. GRCh37 (hg19) VCF-style: chr9-101597609-G-A.
Other names: short protein forms M332I.
Identifiers: ClinVar variation 4028012 (VCV004028012.1).

ClinVar aggregate classification (germline): Uncertain significance (1 of 4 stars; one submission).

Submission:

Ambry Genetics
Classification: Uncertain significance. Last evaluated: 2025-05-05. Review status: criteria provided, single submitter. Criteria: Ambry Variant Classification Scheme 2023. Collection method: clinical testing. Allele origin: germline.
Comment: The p.M332I variant (also known as c.996G>A), located in coding exon 5 of the GALNT12 gene, results from a G to A substitution at nucleotide position 996. The methionine at codon 332 is replaced by isoleucine, an amino acid with highly similar properties. This amino acid position is conserved. In addition, this alteration is predicted to be deleterious by in silico analysis. Based on the available evidence, the clinical significance of this variant remains unclear.